The following is an entry in ClinVar:

NM_000138.5(FBN1):c.7186T>C (p.Phe2396Leu)

Gene: FBN1 (fibrillin 1; minus strand). Cytogenetic location: 15q21.1.
Variant type: single nucleotide variant.
Coding change: c.7186T>C on transcript NM_000138.5 (MANE Select); coding-DNA position 7186, T replaced by C.
Protein change: p.Phe2396Leu; replaces phenylalanine 2396 with leucine.
Molecular consequence: missense variant.
Genome position (GRCh38, 1-based): chr15:48,427,585, A>G on the plus strand (T>C on the coding strand, the complement: FBN1 is on the minus strand). VCF-style: chr15-48427585-A-G. GRCh37 (hg19) VCF-style: chr15-48719782-A-G.
Other names: short protein forms F2396L.
Identifiers: ClinVar variation 1332488 (VCV001332488.4), dbSNP rs530362771, ClinGen allele CA269521431.

ClinVar aggregate classification (germline): Uncertain significance. Review status: criteria provided, multiple submitters, no conflicts (2 of 4 stars). 2 submissions from 2 submitters: Uncertain significance (2). Last evaluated 2026-03-02.

Conditions:
Familial thoracic aortic aneurysm and aortic dissection (TAAD). Also called: Thoracic aortic aneurysms and dissections. Identifiers: Orphanet 91387, MedGen C4707243, MONDO:0019625.

Allele frequency attached by ClinVar (database versions not stated): gnomAD exomes below 0.00001; gnomAD 0.00001; TOPMed 0.00001.
gnomAD v4.1: 4 of 1,614,056 alleles (0.00025%); highest among the groups gnomAD compares: Admixed American, 0.0033%; no homozygotes.

Submissions (2):

Ambry Genetics
Classification: Uncertain significance for Familial thoracic aortic aneurysm and aortic dissection. Last evaluated: 2026-03-02. Review status: criteria provided, single submitter. Criteria: Ambry Variant Classification Scheme 2023. Collection method: clinical testing. Allele origin: germline.

Color Diagnostics, LLC DBA Color Health
Classification: Uncertain significance for Familial thoracic aortic aneurysm and aortic dissection. Last evaluated: 2024-03-06. Review status: criteria provided, single submitter. Criteria: ACMG Guidelines, 2015. Collection method: clinical testing. Allele origin: germline.
Comment: This missense variant replaces phenylalanine with leucine at codon 2396 of the FBN1 protein. Computational prediction is inconclusive regarding the impact of this variant on protein structure and function (internally defined REVEL score threshold 0.5 < inconclusive < 0.7, PMID: 27666373). To our knowledge, functional studies have not been reported for this variant. This variant has not been reported in individuals affected with cardiovascular disorders in the literature. This variant has been identified in 1/251062 chromosomes in the general population by the Genome Aggregation Database (gnomAD). The available evidence is insufficient to determine the role of this variant in disease conclusively. Therefore, this variant is classified as a Variant of Uncertain Significance.